The following is an entry in ClinVar:

ClinVar aggregate classification (germline): Likely benign. Review status: criteria provided, multiple submitters, no conflicts (2 of 4 stars). 4 submissions from 4 submitters: Likely benign (3). 1 of the submissions does not count toward it. Last evaluated 2026-09-02.

Conditions:
EYS-related disorder. Also called: EYS-related condition.
Retinitis pigmentosa 25 (RP25). Identifiers: Orphanet 791, MedGen C1864446, MONDO:0011272, OMIM 602772.

Allele frequency attached by ClinVar (database versions not stated): TOPMed 0.00002; gnomAD 0.00003; gnomAD exomes 0.00003 and 0.00001; ExAC 0.00005.
gnomAD v4.1: 46 of 1,549,976 alleles (0.003%); highest among the groups gnomAD compares: Non-Finnish European, 0.0037%; no homozygotes.

Submissions (4):

PreventionGenetics, part of Exact Sciences
Classification: Likely benign for EYS-related condition. Last evaluated: 2026-09-02. Review status: criteria provided, single submitter. Criteria: ACMG Guidelines, 2015. Collection method: clinical testing. Allele origin: germline.
Comment: This variant is classified as likely benign based on ACMG/AMP sequence variant interpretation guidelines (Richards et al. 2015 PMID: 25741868, with internal and published modifications).

Labcorp Genetics (formerly Invitae), Labcorp
Classification: Likely benign. Last evaluated: 2025-10-20. Review status: criteria provided, single submitter. Criteria: Invitae Variant Classification Sherloc (09022015). Collection method: clinical testing. Allele origin: germline.

Blueprint Genetics
Classification: Likely benign. Last evaluated: 2024-04-09. Review status: criteria provided, single submitter. Criteria: ACMG Guidelines, 2015. Collection method: clinical testing. Allele origin: germline.

Natera, Inc.
Classification: Likely benign for Retinitis pigmentosa type 25. Last evaluated: 2020-08-25. Review status: no assertion criteria provided. Collection method: clinical testing. Allele origin: germline. Not counted in ClinVar's aggregate classification.

NM_001142800.2(EYS):c.3039T>C (p.Cys1013=)

Gene: EYS (EGF-like photoreceptor maintenance factor; minus strand). Cytogenetic location: 6q12.
Variant type: single nucleotide variant.
Coding change: c.3039T>C on transcript NM_001142800.2 (MANE Select); coding-DNA position 3039, T replaced by C.
Protein change: p.Cys1013=; no amino-acid change (cysteine 1013 retained).
Molecular consequence: synonymous variant.
Genome position (GRCh38, 1-based): chr6:64,822,776, A>G on the plus strand (T>C on the coding strand, the complement: EYS is on the minus strand). VCF-style: chr6-64822776-A-G. GRCh37 (hg19) VCF-style: chr6-65532669-A-G.
Other names: c.3039T>C, p.Cys1013= (NM_001292009.2).
Identifiers: ClinVar variation 736144 (VCV000736144.13), dbSNP rs751096016, ClinGen allele CA3877223.